The following is an entry in ClinVar:

ClinVar aggregate classification (germline): Likely benign. Review status: criteria provided, multiple submitters, no conflicts (2 of 4 stars). 3 submissions from 3 submitters: Likely benign (3). Last evaluated 2026-07-01.

Conditions:
KBG syndrome (KBGS). Also called: ANKRD11-Related KBG Syndrome. Identifiers: Orphanet 2332, MedGen C0220687, MONDO:0007846, OMIM 148050.

Allele frequency attached by ClinVar (database versions not stated): gnomAD 0.00001; TOPMed 0.00002; ExAC 0.00003; gnomAD exomes 0.00004 and 0.00005; ESP Exome Variant Server 0.00015.
gnomAD v4.1: 69 of 1,614,068 alleles (0.0043%); highest among the groups gnomAD compares: Middle Eastern, 0.033%; no homozygotes.

Submissions (3):

CeGaT Center for Human Genetics Tuebingen
Classification: Likely benign. Last evaluated: 2026-07-01. Review status: criteria provided, single submitter. Criteria: CeGaT Center For Human Genetics Tuebingen Variant Classification Criteria Version 2. Collection method: clinical testing. Allele origin: germline. Affected: yes. Observed: 2 variant alleles.
Comment: ANKRD11: BP4, BP7

Labcorp Genetics (formerly Invitae), Labcorp
Classification: Likely benign for KBG syndrome. Last evaluated: 2025-10-09. Review status: criteria provided, single submitter. Criteria: Invitae Variant Classification Sherloc (09022015). Collection method: clinical testing. Allele origin: germline.

Blueprint Genetics
Classification: Likely benign. Last evaluated: 2024-11-22. Review status: criteria provided, single submitter. Criteria: ACMG Guidelines, 2015. Collection method: clinical testing. Allele origin: germline.

NM_013275.6(ANKRD11):c.5316G>A (p.Ser1772=)

Gene: ANKRD11 (ankyrin repeat domain 11; minus strand). Cytogenetic location: 16q24.3.
Variant type: single nucleotide variant.
Coding change: c.5316G>A on transcript NM_013275.6 (MANE Select); coding-DNA position 5316, G replaced by A.
Protein change: p.Ser1772=; no amino-acid change (serine 1772 retained).
Molecular consequence: synonymous variant.
Genome position (GRCh38, 1-based): chr16:89,281,226, C>T on the plus strand (G>A on the coding strand, the complement: ANKRD11 is on the minus strand). VCF-style: chr16-89281226-C-T. GRCh37 (hg19) VCF-style: chr16-89347634-C-T.
Other names: c.5316G>A, p.Ser1772= (NM_001256182.2, NM_001256183.2).
Identifiers: ClinVar variation 838188 (VCV000838188.11), dbSNP rs142332018, ClinGen allele CA8241878.
Genomic context (GRCh38, chr16:89,281,226, plus strand): 5'-AGAGACCGAGCGGTAAAGGTTTGTGGAGAGAGGCCTGGCAGGAGCCTGGCTGGCGTTTTC[C>T]GAAAGCCCACTTGAAGCCACGGAGAACCTGTCGAAAAAGGAGGGGGAGCAGGCGCTGGTG-3'
Protein context (NP_037407.4, residues 1762-1782): DRFSVASSGL[Ser1772=]ENASQAPARP